The following is an entry in ClinVar:

ClinVar aggregate classification (germline): Uncertain significance (1 of 4 stars; one submission).

Conditions:
Transcobalamin I deficiency (TCN1D). Also called: COBALAMIN PSEUDODEFICIENCY DUE TO TRANSCOBALAMIN DEFICIENCY; COBALAMIN R BINDER PROTEIN DEFICIENCY; TCN1 DEFICIENCY. Identifiers: Orphanet 2967, MedGen C0342700, MONDO:0008659, OMIM 193090.

Allele frequency attached by ClinVar (database versions not stated): TOPMed 0.00002; gnomAD 0.00003; gnomAD exomes 0.00004 and 0.00006; ExAC 0.00006.
gnomAD v4.1: 86 of 1,613,582 alleles (0.0053%); highest among the groups gnomAD compares: Non-Finnish European, 0.0061%; no homozygotes.

Submission:

Labcorp Genetics (formerly Invitae), Labcorp
Classification: Uncertain significance for Transcobalamin I deficiency. Last evaluated: 2025-06-09. Review status: criteria provided, single submitter. Criteria: Invitae Variant Classification Sherloc (09022015). Collection method: clinical testing. Allele origin: germline.
Comment: This sequence change replaces alanine, which is neutral and non-polar, with threonine, which is neutral and polar, at codon 108 of the TCN1 protein (p.Ala108Thr). This variant is present in population databases (rs757531697, gnomAD 0.007%). This variant has not been reported in the literature in individuals affected with TCN1-related conditions. ClinVar contains an entry for this variant (Variation ID: 1385555). An algorithm developed to predict the effect of missense changes on protein structure and function outputs the following: PolyPhen-2: "Benign". The threonine amino acid residue is found in multiple mammalian species, which suggests that this missense change does not adversely affect protein function. In summary, the available evidence is currently insufficient to determine the role of this variant in disease. Therefore, it has been classified as a Variant of Uncertain Significance.

NM_001062.4(TCN1):c.322G>A (p.Ala108Thr)

Gene: TCN1 (transcobalamin 1; minus strand). Cytogenetic location: 11q12.1.
Variant type: single nucleotide variant.
Coding change: c.322G>A on transcript NM_001062.4 (MANE Select); coding-DNA position 322, G replaced by A.
Protein change: p.Ala108Thr; replaces alanine 108 with threonine.
Molecular consequence: missense variant.
Genome position (GRCh38, 1-based): chr11:59,862,660, C>T on the plus strand (G>A on the coding strand, the complement: TCN1 is on the minus strand). VCF-style: chr11-59862660-C-T. GRCh37 (hg19) VCF-style: chr11-59630133-C-T.
Other names: short protein forms A108T.
Identifiers: ClinVar variation 1385555 (VCV001385555.6), dbSNP rs757531697, ClinGen allele CA6022059.